The following is an entry in ClinVar:

NM_001943.5(DSG2):c.2625G>A (p.Met875Ile)

Genes: DSG2 (desmoglein 2; plus strand), DSG2-AS1 (DSG2 antisense RNA 1; minus strand). Cytogenetic location: 18q12.1.
Variant type: single nucleotide variant.
Coding change: c.2625G>A on transcript NM_001943.5 (MANE Select); coding-DNA position 2625, G replaced by A.
Protein change: p.Met875Ile; replaces methionine 875 with isoleucine.
Molecular consequence: missense variant.
Genome position (GRCh38, 1-based): chr18:31,546,011, G>A. VCF-style: chr18-31546011-G-A. GRCh37 (hg19) VCF-style: chr18-29125974-G-A.
Other names: short protein forms M875I.
Identifiers: ClinVar variation 2448371 (VCV002448371.2), dbSNP rs2144359629, ClinGen allele CA402145665.

ClinVar aggregate classification (germline): Uncertain significance (1 of 4 stars; one submission).

Conditions:
Cardiovascular phenotype. Identifiers: MedGen CN230736.

Submission:

Ambry Genetics
Classification: Uncertain significance for Cardiovascular phenotype. Last evaluated: 2022-12-09. Review status: criteria provided, single submitter. Criteria: Ambry Variant Classification Scheme 2023. Collection method: clinical testing. Allele origin: germline.
Comment: The p.M875I variant (also known as c.2625G>A), located in coding exon 15 of the DSG2 gene, results from a G to A substitution at nucleotide position 2625. The methionine at codon 875 is replaced by isoleucine, an amino acid with highly similar properties. This amino acid position is conserved. In addition, this alteration is predicted to be tolerated by in silico analysis. Since supporting evidence is limited at this time, the clinical significance of this alteration remains unclear.